The following is an entry in ClinVar:

ClinVar aggregate classification (germline): Uncertain significance (1 of 4 stars; one submission).

gnomAD v4.1: 1 of 1,613,848 alleles (0.000062%); highest among the groups gnomAD compares: Non-Finnish European, 0.000085%; no homozygotes.

Submission:

Ambry Genetics
Classification: Uncertain significance. Last evaluated: 2023-12-14. Review status: criteria provided, single submitter. Criteria: Ambry Variant Classification Scheme 2023. Collection method: clinical testing. Allele origin: germline.
Comment: The p.Y1323C variant (also known as c.3968A>G), located in coding exon 16 of the POLQ gene, results from an A to G substitution at nucleotide position 3968. The tyrosine at codon 1323 is replaced by cysteine, an amino acid with highly dissimilar properties. This amino acid position is conserved. In addition, this alteration is predicted to be tolerated by in silico analysis. Since supporting evidence is limited at this time, the clinical significance of this alteration remains unclear.

NM_199420.4(POLQ):c.3968A>G (p.Tyr1323Cys)

Gene: POLQ (DNA polymerase theta; minus strand). Cytogenetic location: 3q13.33.
Variant type: single nucleotide variant.
Coding change: c.3968A>G on transcript NM_199420.4 (MANE Select); coding-DNA position 3968, A replaced by G.
Protein change: p.Tyr1323Cys; replaces tyrosine 1323 with cysteine.
Molecular consequence: missense variant.
Genome position (GRCh38, 1-based): chr3:121,488,963, T>C on the plus strand (A>G on the coding strand, the complement: POLQ is on the minus strand). VCF-style: chr3-121488963-T-C. GRCh37 (hg19) VCF-style: chr3-121207810-T-C.
Other names: short protein forms Y1323C.
Identifiers: ClinVar variation 1736571 (VCV001736571.2), dbSNP rs778552720, ClinGen allele CA354096528.